The following is an entry in ClinVar:

NM_000141.5(FGFR2):c.624+139A>G

Gene: FGFR2 (fibroblast growth factor receptor 2; minus strand). Cytogenetic location: 10q26.13.
Variant type: single nucleotide variant.
Coding change: c.624+139A>G on transcript NM_000141.5 (MANE Select); 139 bases into the intron after coding-DNA position 624, A replaced by G.
Molecular consequence: intron variant.
Genome position (GRCh38, 1-based): chr10:121,551,151, T>C on the plus strand (A>G on the coding strand, the complement: FGFR2 is on the minus strand). VCF-style: chr10-121551151-T-C. GRCh37 (hg19) VCF-style: chr10-123310665-T-C.
Other names: c.624+139A>G (NM_001144914.1, NM_001144917.2, NM_001320658.2 and 3 more transcripts); c.279+139A>G (NM_001144918.2, NM_001441091.1, NM_001441090.1 and 1 more transcripts); c.357+139A>G (NM_001441089.1, NM_023029.3, NM_001441088.1 and 2 more transcripts).
Identifiers: ClinVar variation 670041 (VCV000670041.1), dbSNP rs3135745, ClinGen allele CA214292359.

ClinVar aggregate classification (germline): Benign (1 of 4 stars; one submission).

Allele frequency attached by ClinVar (database versions not stated): TOPMed 0.15538; 1000 Genomes Project 0.16074; 1000 Genomes Project 30x 0.16615; gnomAD exomes 0.02268; gnomAD 0.13586 and 0.14394.
gnomAD v4.1: 38,657 of 919,652 alleles (4.2%); highest among the groups gnomAD compares: African/African-American, 43%; 6,118 homozygotes.

Submission:

GeneDx
Classification: Benign. Last evaluated: 2018-06-14. Review status: criteria provided, single submitter. Criteria: GeneDx Variant Classification (06012015). Collection method: clinical testing. Allele origin: germline. Affected: yes.
Comment: This variant is considered likely benign or benign based on one or more of the following criteria: it is a conservative change, it occurs at a poorly conserved position in the protein, it is predicted to be benign by multiple in silico algorithms, and/or has population frequency not consistent with disease.